The following is an entry in ClinVar:

NM_016734.3(PAX5):c.811G>C (p.Ala271Pro)

Gene: PAX5 (paired box 5; minus strand). Cytogenetic location: 9p13.2.
Variant type: single nucleotide variant.
Coding change: c.811G>C on transcript NM_016734.3 (MANE Select); coding-DNA position 811, G replaced by C.
Protein change: p.Ala271Pro; replaces alanine 271 with proline.
Molecular consequence: missense variant. On other transcripts: intron variant (2).
Genome position (GRCh38, 1-based): chr9:36,923,454, C>G on the plus strand (G>C on the coding strand, the complement: PAX5 is on the minus strand). VCF-style: chr9-36923454-C-G. GRCh37 (hg19) VCF-style: chr9-36923451-C-G.
Other names: c.811G>C, p.Ala271Pro (NM_001280547.2, NM_001280548.2, NM_001280552.2); c.487G>C, p.Ala163Pro (NM_001280551.2, NM_001280556.2); c.682G>C, p.Ala228Pro (NM_001280553.2, NM_001280554.2); c.613G>C, p.Ala205Pro (NM_001280555.2); c.780+43095G>C (NM_001280550.2, NM_001280549.2); short protein forms A205P, A163P, A271P, A228P.
Identifiers: ClinVar variation 3414526 (VCV003414526.1).

ClinVar aggregate classification (germline): Uncertain significance (1 of 4 stars; one submission).

Conditions:
Inborn genetic diseases. Identifiers: MedGen C0950123, MeSH D030342.

gnomAD v4.1: 2 of 1,612,044 alleles (0.00012%); highest among the groups gnomAD compares: Non-Finnish European, 0.000085%; no homozygotes.

Submission:

Ambry Genetics
Classification: Uncertain significance for Inborn genetic diseases. Last evaluated: 2024-11-22. Review status: criteria provided, single submitter. Criteria: Ambry Variant Classification Scheme 2023. Collection method: clinical testing. Allele origin: germline.
Comment: The p.A271P variant (also known as c.811G>C), located in coding exon 7 of the PAX5 gene, results from a G to C substitution at nucleotide position 811. The alanine at codon 271 is replaced by proline, an amino acid with highly similar properties. This amino acid position is conserved. In addition, this alteration is predicted to be deleterious by in silico analysis. Based on the available evidence, the clinical significance of this variant remains unclear.